The following is an entry in ClinVar:

NM_001887.4(CRYBB1):c.-7G>A

Genes: CRYBA4 (crystallin beta A4; plus strand), CRYBB1 (crystallin beta B1; minus strand). Cytogenetic location: 22q12.1.
Variant type: single nucleotide variant.
Coding change: c.-7G>A on transcript NM_001887.4 (MANE Select); 7 bases upstream of the start codon, G replaced by A.
Molecular consequence: 5 prime UTR variant.
Genome position (GRCh38, 1-based): chr22:26,616,326, C>T on the plus strand (G>A on the coding strand, the complement: CRYBB1 is on the minus strand). VCF-style: chr22-26616326-C-T. GRCh37 (hg19) VCF-style: chr22-27012290-C-T.
Identifiers: ClinVar variation 341052 (VCV000341052.7), dbSNP rs200292741, ClinGen allele CA10165613.

ClinVar aggregate classification (germline): Uncertain significance. Review status: criteria provided, single submitter (1 of 4 stars). 2 submissions from 2 submitters: Uncertain significance (1). 1 of the submissions does not count toward it. Last evaluated 2018-01-13.

Conditions:
CRYBB1-related disorder. Also called: CRYBB1-related condition.
Cataract 17 multiple types. Also called: CATARACT 17, PULVERULENT; CATARACT 17, CONGENITAL NUCLEAR, AUTOSOMAL RECESSIVE. Identifiers: Orphanet 91492, MedGen C3888124, MONDO:0012688, OMIM 611544.

Allele frequency attached by ClinVar (database versions not stated): TOPMed 0.00017; gnomAD 0.00019 and 0.00021; ESP Exome Variant Server 0.00023; gnomAD exomes 0.00026; ExAC 0.00033.
gnomAD v4.1: 413 of 1,612,130 alleles (0.026%); highest among the groups gnomAD compares: Middle Eastern, 0.033%; no homozygotes.

Submissions (2):

Illumina Laboratory Services, Illumina
Classification: Uncertain significance for Cataract 17 multiple types. Last evaluated: 2018-01-13. Review status: criteria provided, single submitter. Criteria: ICSL Variant Classification Criteria 13 December 2019. Collection method: clinical testing. Allele origin: germline.

PreventionGenetics, part of Exact Sciences
Classification: Likely benign for CRYBB1-related condition. Last evaluated: 2021-02-22. Review status: no assertion criteria provided. Collection method: clinical testing. Allele origin: germline. Not counted in ClinVar's aggregate classification.
Comment: This variant is classified as likely benign based on ACMG/AMP sequence variant interpretation guidelines (Richards et al. 2015 PMID: 25741868, with internal and published modifications).